The following is an entry in ClinVar:

NM_006073.4(TRDN):c.947A>G (p.Lys316Arg)

Gene: TRDN (triadin; minus strand). Cytogenetic location: 6q22.31.
Variant type: single nucleotide variant.
Coding change: c.947A>G on transcript NM_006073.4 (MANE Select); coding-DNA position 947, A replaced by G.
Protein change: p.Lys316Arg; replaces lysine 316 with arginine.
Molecular consequence: missense variant.
Genome position (GRCh38, 1-based): chr6:123,438,988, T>C on the plus strand (A>G on the coding strand, the complement: TRDN is on the minus strand). VCF-style: chr6-123438988-T-C. GRCh37 (hg19) VCF-style: chr6-123760133-T-C.
Other names: c.947A>G, p.Lys316Arg (NM_001251987.2); short protein forms K316R.
Identifiers: ClinVar variation 949748 (VCV000949748.10), dbSNP rs1200632068, ClinGen allele CA365566377.

ClinVar aggregate classification (germline): Uncertain significance (1 of 4 stars; one submission).

Conditions:
Catecholaminergic polymorphic ventricular tachycardia 1. Also called: VENTRICULAR TACHYCARDIA, STRESS-INDUCED POLYMORPHIC 1; RYR2-Related Catecholaminergic Polymorphic Ventricular Tachycardia; VENTRICULAR TACHYCARDIA, CATECHOLAMINERGIC POLYMORPHIC, 1, WITH OR WITHOUT ATRIAL DYSFUNCTION AND/OR DILATED CARDIOMYOPATHY. Identifiers: Orphanet 3286, MedGen C1631597, MONDO:0011484, OMIM 604772.

Allele frequency attached by ClinVar (database versions not stated): gnomAD 0.00001.

Submission:

Labcorp Genetics (formerly Invitae), Labcorp
Classification: Uncertain significance for Catecholaminergic polymorphic ventricular tachycardia 1. Last evaluated: 2023-12-06. Review status: criteria provided, single submitter. Criteria: Invitae Variant Classification Sherloc (09022015). Collection method: clinical testing. Allele origin: germline.
Comment: This sequence change replaces lysine, which is basic and polar, with arginine, which is basic and polar, at codon 316 of the TRDN protein (p.Lys316Arg). This variant is present in population databases (no rsID available, gnomAD 0.01%). This variant has not been reported in the literature in individuals affected with TRDN-related conditions. ClinVar contains an entry for this variant (Variation ID: 949748). Advanced modeling of protein sequence and biophysical properties (such as structural, functional, and spatial information, amino acid conservation, physicochemical variation, residue mobility, and thermodynamic stability) performed at Invitae indicates that this missense variant is not expected to disrupt TRDN protein function with a negative predictive value of 80%. In summary, the available evidence is currently insufficient to determine the role of this variant in disease. Therefore, it has been classified as a Variant of Uncertain Significance.